The following is an entry in ClinVar:

ClinVar aggregate classification (germline): Uncertain significance (1 of 4 stars; one submission).

Conditions:
Fontaine progeroid syndrome. Also called: CRANIOFACIAL DYSOSTOSIS, HYPERTRICHOSIS, HYPOPLASIA OF LABIA MAJORA, DENTAL AND EYE ANOMALIES, PATENT DUCTUS ARTERIOSUS, AND NORMAL INTELLIGENCE; Craniofacial dysostosis, patent ductus arteriosus, hypertrichosis, hypoplasia of labia majora, dental and eye anomalies; GCM syndrome; Gorlin-Chaudhry-Moss syndrome; Progeroid syndrome congenital Petty type; Petty Laxova Wiedemann syndrome. Identifiers: Orphanet 2095, MedGen C2676780, MONDO:0012853, OMIM 612289.

gnomAD v4.1: 1 of 1,614,052 alleles (0.000062%); highest among the groups gnomAD compares: Non-Finnish European, 0.000085%; no homozygotes.

Submission:

Neuberg Centre For Genomic Medicine, NCGM
Classification: Uncertain significance for Fontaine progeroid syndrome. Review status: criteria provided, single submitter. Criteria: ACMG Guidelines, 2015. Collection method: clinical testing. Allele origin: germline. Inheritance: Autosomal dominant inheritance. Affected: yes.
Comment: The missense c.1346C>T(p.Pro449Leu) variant in SLC25A24 gene has not been reported previously as a pathogenic variant nor as a benign variant, to our knowledge. The p.Pro449Leu variant is novel (not in any individuals) in gnomAD Exomes and 1000 Genomes. The amino acid Pro at position 449 is changed to a Leu changing protein sequence and it might alter its composition and physico-chemical properties. The variant is predicted to be damaging by both SIFT and PolyPhen2. The residue is conserved across species. The amino acid change p.Pro449Leu in SLC25A24 is predicted as conserved by GERP++ and PhyloP across 100 vertebrates. For these reasons, this variant has been classified as Uncertain Significance.

NM_013386.5(SLC25A24):c.1346C>T (p.Pro449Leu)

Gene: SLC25A24 (solute carrier family 25 member 24; minus strand). Cytogenetic location: 1p13.3.
Variant type: single nucleotide variant.
Coding change: c.1346C>T on transcript NM_013386.5 (MANE Select); coding-DNA position 1346, C replaced by T.
Protein change: p.Pro449Leu; replaces proline 449 with leucine.
Molecular consequence: missense variant.
Genome position (GRCh38, 1-based): chr1:108,136,741, G>A on the plus strand (C>T on the coding strand, the complement: SLC25A24 is on the minus strand). VCF-style: chr1-108136741-G-A. GRCh37 (hg19) VCF-style: chr1-108679363-G-A.
Other names: c.1289C>T, p.Pro430Leu (NM_213651.3); short protein forms P430L, P449L.
Identifiers: ClinVar variation 2585298 (VCV002585298.1), dbSNP rs749266397, ClinGen allele CA341185151.